The following is an entry in ClinVar:

ClinVar aggregate classification (germline): Pathogenic (1 of 4 stars; one submission).

Conditions:
Breast-ovarian cancer, familial, susceptibility to, 1 (BROVCA1). Also called: BRCA1 Hereditary Breast and Ovarian Cancer; OVARIAN CANCER, SUSCEPTIBILITY TO. Identifiers: Orphanet 145, MedGen C2676676, MONDO:0011450, OMIM 604370. Disease mechanism: loss of function.

Submission:

Myriad Genetics, Inc.
Classification: Pathogenic for Breast-ovarian cancer, familial, susceptibility to, 1. Last evaluated: 2025-03-18. Review status: criteria provided, single submitter. Criteria: Myriad Autosomal Dominant, Autosomal Recessive and X-Linked Classification Criteria (2023). Collection method: clinical testing. Allele origin: unknown.
Comment: This variant is considered pathogenic. This variant creates a termination codon and is predicted to result in premature protein truncation.

NM_007294.4(BRCA1):c.922_923insTAAAATAAAATAAAATAAAATAAAATAAAA (p.Ser308delinsIleLysTer)

Gene: BRCA1 (BRCA1 DNA repair associated; minus strand). Cytogenetic location: 17q21.31.
Variant type: Microsatellite.
Coding change: c.922_923insTAAAATAAAATAAAATAAAATAAAATAAAA on transcript NM_007294.4 (MANE Select); coding-DNA positions 922 to 923, TAAAATAAAATAAAATAAAATAAAATAAAA inserted.
Protein change: p.Ser308delinsIleLysTer.
Molecular consequence: nonsense. On other transcripts: intron variant (137).
Genome position: GRCh38 VCF-style: chr17-43094608-C-CTTTTATTTTATTTTATTTTATTTTATTTTA. GRCh37 (hg19) VCF-style: chr17-41246625-C-CTTTTATTTTATTTTATTTTATTTTATTTTA.
Other names: c.778_779insTAAAATAAAATAAAATAAAATAAAATAAAA, p.Ser260delinsIleLysTer (NM_001407749.1, NM_001407838.1, NM_001407839.1 and 20 more transcripts); c.781_782insTAAAATAAAATAAAATAAAATAAAATAAAA, p.Ser261delinsIleLysTer (NM_001407750.1, NM_001407751.1, NM_001407752.1 and 29 more transcripts); c.709_710insTAAAATAAAATAAAATAAAATAAAATAAAA, p.Ser237delinsIleLysTer (NM_001407853.1, NM_001407894.1, NM_001407895.1 and 9 more transcripts); c.922_923insTAAAATAAAATAAAATAAAATAAAATAAAA, p.Ser308delinsIleLysTer (NM_001407854.1, NM_001407858.1, NM_001407859.1 and 30 more transcripts); c.919_920insTAAAATAAAATAAAATAAAATAAAATAAAA, p.Ser307delinsIleLysTer (NM_001407860.1, NM_001407861.1, NM_001407587.1 and 22 more transcripts); c.721_722insTAAAATAAAATAAAATAAAATAAAATAAAA, p.Ser241delinsIleLysTer (NM_001407862.1); c.799_800insTAAAATAAAATAAAATAAAATAAAATAAAA, p.Ser267delinsIleLysTer (NM_001407863.1, NM_001407919.1, NM_001407937.1 and 19 more transcripts); c.718_719insTAAAATAAAATAAAATAAAATAAAATAAAA, p.Ser240delinsIleLysTer (NM_001407874.1, NM_001407875.1); and 40 more.
Identifiers: ClinVar variation 3904748 (VCV003904748.1).